The following is an entry in ClinVar:

ClinVar aggregate classification (germline): Uncertain significance (1 of 4 stars; one submission).

Conditions:
Multiple endocrine neoplasia, type 1 (MEN1). Also called: MEN I; WERMER SYNDROME; Endocrine adenomatosis multiple; MEN 1; MEA I. Identifiers: Orphanet 652, MedGen C0025267, MeSH D018761, MONDO:0007540, OMIM 131100.

Submission:

Labcorp Genetics (formerly Invitae), Labcorp
Classification: Uncertain significance for Multiple endocrine neoplasia, type 1. Last evaluated: 2016-04-29. Review status: criteria provided, single submitter. Criteria: Invitae Variant Classification Sherloc (09022015). Collection method: clinical testing. Allele origin: germline.
Comment: This sequence change replaces arginine with glycine at codon 21 of the MEN1 protein (p.Arg21Gly). The arginine residue is moderately conserved and there is a moderate physicochemical difference between arginine and glycine. This variant is not present in population databases (ExAC no frequency) and has not been reported in the literature in individuals with a MEN1-related disease. Algorithms developed to predict the effect of missense changes on protein structure and function (SIFT, PolyPhen-2, Align-GVGD) all suggest that this variant is likely to be tolerated, but these predictions have not been confirmed by published functional studies. In summary, this variant is a novel missense change that is not predicted to affect protein function. There is no indication that it causes disease, but the available evidence is currently insufficient to prove that conclusively. Therefore, it has been classified as a Variant of Uncertain Significance.

NM_001370259.2(MEN1):c.61C>G (p.Arg21Gly)

Gene: MEN1 (menin 1; minus strand). Cytogenetic location: 11q13.1.
Variant type: single nucleotide variant.
Coding change: c.61C>G on transcript NM_001370259.2 (MANE Select); coding-DNA position 61, C replaced by G.
Protein change: p.Arg21Gly; replaces arginine 21 with glycine.
Molecular consequence: missense variant.
Genome position (GRCh38, 1-based): chr11:64,810,049, G>C on the plus strand (C>G on the coding strand, the complement: MEN1 is on the minus strand). VCF-style: chr11-64810049-G-C. GRCh37 (hg19) VCF-style: chr11-64577521-G-C.
Other names: c.61C>G, p.Arg21Gly (NM_000244.4, NM_001370251.2, NM_001370260.2 and 9 more transcripts); short protein forms R21G.
Identifiers: ClinVar variation 403824 (VCV000403824.7), dbSNP rs541476418, ClinGen allele CA16613641.